The following is an entry in ClinVar:

NM_004863.4(SPTLC2):c.261del (p.Arg88fs)

Gene: SPTLC2 (serine palmitoyltransferase long chain base subunit 2; minus strand). Cytogenetic location: 14q24.3.
Variant type: Deletion.
Coding change: c.261del on transcript NM_004863.4 (MANE Select); coding-DNA position 261, one base deleted (T; older notation c.261delT).
Protein change: p.Arg88fs; shifts the reading frame from arginine 88.
Molecular consequence: frameshift variant.
Genome position (GRCh38, 1-based): chr14:77,597,252, A deleted on the plus strand (T on the coding strand, the reverse complement: SPTLC2 is on the minus strand); the first of 2 consecutive A bases (chr14:77,597,252-77,597,253); deleting either gives the same sequence. VCF-style (leftmost placement, unchanged base first): chr14-77597251-GA-G. GRCh37 (hg19) VCF-style: chr14-78063594-GA-G.
Other names: short protein forms R88fs.
Identifiers: ClinVar variation 1497531 (VCV001497531.6), dbSNP rs2140056187, ClinGen allele CA2573150170.

ClinVar aggregate classification (germline): Uncertain significance (1 of 4 stars; one submission).

Conditions:
Neuropathy, hereditary sensory and autonomic, type 1C. Also called: HSAN IC; HSN IC. Identifiers: Orphanet 36386, MedGen C3150896, MONDO:0013337, OMIM 613640.

Submission:

Labcorp Genetics (formerly Invitae), Labcorp
Classification: Uncertain significance for Neuropathy, hereditary sensory and autonomic, type 1C. Last evaluated: 2021-06-09. Review status: criteria provided, single submitter. Criteria: Invitae Variant Classification Sherloc (09022015). Collection method: clinical testing. Allele origin: germline.
Comment: In summary, the available evidence is currently insufficient to determine the role of this variant in disease. Therefore, it has been classified as a Variant of Uncertain Significance. This variant has not been reported in the literature in individuals with SPTLC2-related conditions. This variant is not present in population databases (ExAC no frequency). This sequence change creates a premature translational stop signal (p.Arg88Glufs*4) in the SPTLC2 gene. It is expected to result in an absent or disrupted protein product. However, the current clinical and genetic evidence is not sufficient to establish whether loss-of-function variants in SPTLC2 cause disease.